The following is an entry in ClinVar:

NM_005631.5(SMO):c.602A>T (p.Asp201Val)

Gene: SMO (smoothened, frizzled class receptor; plus strand). Cytogenetic location: 7q32.1.
Variant type: single nucleotide variant.
Coding change: c.602A>T on transcript NM_005631.5 (MANE Select); coding-DNA position 602, A replaced by T.
Protein change: p.Asp201Val; replaces aspartic acid 201 with valine.
Molecular consequence: missense variant.
Genome position (GRCh38, 1-based): chr7:129,205,267, A>T. VCF-style: chr7-129205267-A-T. GRCh37 (hg19) VCF-style: chr7-128845108-A-T.
Other names: short protein forms D201V.
Identifiers: ClinVar variation 1317207 (VCV001317207.3), dbSNP rs1793744398, ClinGen allele CA369242442.
Genomic context (GRCh38, chr7:129,205,267, plus strand): 5'-AGGTGCAGAACATCAAGTTCAACAGTTCAGGCCAGTGCGAAGTGCCCTTGGTTCGGACAG[A>T]CAACCCCAAGAGCTGGTACGAGGACGTGGAGGGCTGCGGCATCCAGTGCCAGAACCCGCT-3'
Protein context (NP_005622.1, residues 191-211): GQCEVPLVRT[Asp201Val]NPKSWYEDVE

ClinVar aggregate classification (germline): Uncertain significance. Review status: criteria provided, multiple submitters, no conflicts (2 of 4 stars). 2 submissions from 2 submitters: Uncertain significance (2). Last evaluated 2025-01-21.

Conditions:
Inborn genetic diseases. Identifiers: MedGen C0950123, MeSH D030342.

Allele frequency attached by ClinVar (database versions not stated): TOPMed below 0.00001.

Submissions (2):

Ambry Genetics
Classification: Uncertain significance for Inborn genetic diseases. Last evaluated: 2025-01-21. Review status: criteria provided, single submitter. Criteria: Ambry Variant Classification Scheme 2023. Collection method: clinical testing. Allele origin: germline.

GeneDx
Classification: Uncertain significance. Last evaluated: 2019-05-31. Review status: criteria provided, single submitter. Criteria: GeneDx Variant Classification Process June 2021. Collection method: clinical testing. Allele origin: germline. Affected: yes.
Comment: Has not been previously published as pathogenic or benign to our knowledge; Not observed in large population cohorts (Lek et al., 2016); In silico analysis, which includes protein predictors and evolutionary conservation, supports a deleterious effect